The following is an entry in ClinVar:

ClinVar aggregate classification (germline): Conflicting classifications of pathogenicity. Review status: criteria provided, conflicting classifications (1 of 4 stars). 2 submissions from 2 submitters: Uncertain significance (1); Likely benign (1). Last evaluated 2025-10-23.

Conditions:
RYR1-related disorder. Also called: RYR1-related condition; RYR1-related disorders. Identifiers: MedGen CN239331.
Malignant hyperthermia, susceptibility to, 1 (MHS1). Also called: Anesthesia related hyperthermia; Malignant hyperpyrexia; Fulminating hyperpyrexia; Pharmacogenic myopathy; Malignant hyperthermia suceptibility 1; RYR1-Related Malignant Hyperthermia Susceptibility. Identifiers: Orphanet 423, MedGen C2930980, MONDO:0007783, OMIM 145600.

Allele frequency attached by ClinVar (database versions not stated): gnomAD exomes 0.00005; ExAC 0.00006.
gnomAD v4.1: 32 of 1,613,934 alleles (0.002%); highest among the groups gnomAD compares: South Asian, 0.035%; no homozygotes.

Submissions (2):

Labcorp Genetics (formerly Invitae), Labcorp
Classification: Likely benign for RYR1-related disorder. Last evaluated: 2025-10-23. Review status: criteria provided, single submitter. Criteria: Invitae Variant Classification Sherloc (09022015). Collection method: clinical testing. Allele origin: germline.

All of Us Research Program, National Institutes of Health
Classification: Uncertain significance for Malignant hyperthermia, susceptibility to, 1. Last evaluated: 2023-04-03. Review status: criteria provided, single submitter. Criteria: ACMG Guidelines, 2015. Collection method: clinical testing. Allele origin: germline. Inheritance: Autosomal dominant inheritance. Observed: 1 variant allele, 1 heterozygote.
Comment: This variant is located in the RYR1 protein. To our knowledge, functional studies have not been reported for this variant. This variant has not been reported in individuals affected with RYR1-related disorders in the literature. This variant has been identified in 13/251484 chromosomes in the general population by the Genome Aggregation Database (gnomAD). The available evidence is insufficient to determine the role of this variant in disease conclusively. Therefore, this variant is classified as a Variant of Uncertain Significance.

This study involves interpretation of variants in research participants for the purpose of population health screening. Participant phenotype was not available at the time of variant classification. Additional details can be found in publication PMID: 35346344, PMCID: PMC8962531

NM_000540.3(RYR1):c.8880G>C (p.Leu2960=)

Gene: RYR1 (ryanodine receptor 1; plus strand). Cytogenetic location: 19q13.2.
Variant type: single nucleotide variant.
Coding change: c.8880G>C on transcript NM_000540.3 (MANE Select); coding-DNA position 8880, G replaced by C.
Protein change: p.Leu2960=; no amino-acid change (leucine 2960 retained).
Molecular consequence: synonymous variant.
Genome position (GRCh38, 1-based): chr19:38,507,775, G>C. VCF-style: chr19-38507775-G-C. GRCh37 (hg19) VCF-style: chr19-38998415-G-C.
Other names: c.8880G>C, p.Leu2960= (NM_001042723.2).
Identifiers: ClinVar variation 478294 (VCV000478294.9), dbSNP rs763905757, ClinGen allele CA072862.